The following is an entry in ClinVar:

ClinVar aggregate classification (germline): Uncertain significance. Review status: criteria provided, multiple submitters, no conflicts (2 of 4 stars). 2 submissions from 2 submitters: Uncertain significance (2). Last evaluated 2025-02-08.

Conditions:
Inborn genetic diseases. Identifiers: MedGen C0950123, MeSH D030342.
Fanconi anemia (FA). Also called: Fanconi's anemia. Identifiers: Orphanet 84, MedGen C0015625, MeSH D005199, MONDO:0019391.

Allele frequency attached by ClinVar (database versions not stated): gnomAD exomes below 0.00001.
gnomAD v4.1: 1 of 1,604,944 alleles (0.000062%); highest among the groups gnomAD compares: East Asian, 0.0022%; no homozygotes.

Submissions (2):

Ambry Genetics
Classification: Uncertain significance for Inborn genetic diseases. Last evaluated: 2025-02-08. Review status: criteria provided, single submitter. Criteria: Ambry Variant Classification Scheme 2023. Collection method: clinical testing. Allele origin: germline.
Comment: The p.T900I variant (also known as c.2699C>T), located in coding exon 14 of the FANCM gene, results from a C to T substitution at nucleotide position 2699. The threonine at codon 900 is replaced by isoleucine, an amino acid with similar properties. This amino acid position is conserved. In addition, this alteration is predicted to be tolerated by in silico analysis. Based on the available evidence, the clinical significance of this variant remains unclear.

Labcorp Genetics (formerly Invitae), Labcorp
Classification: Uncertain significance for Fanconi anemia. Last evaluated: 2024-05-22. Review status: criteria provided, single submitter. Criteria: Invitae Variant Classification Sherloc (09022015). Collection method: clinical testing. Allele origin: germline.
Comment: This sequence change replaces threonine, which is neutral and polar, with isoleucine, which is neutral and non-polar, at codon 900 of the FANCM protein (p.Thr900Ile). This variant is not present in population databases (gnomAD no frequency). This variant has not been reported in the literature in individuals affected with FANCM-related conditions. ClinVar contains an entry for this variant (Variation ID: 456261). An algorithm developed to predict the effect of missense changes on protein structure and function (PolyPhen-2) suggests that this variant is likely to be tolerated. In summary, the available evidence is currently insufficient to determine the role of this variant in disease. Therefore, it has been classified as a Variant of Uncertain Significance.

NM_020937.4(FANCM):c.2699C>T (p.Thr900Ile)

Gene: FANCM (FA complementation group M; plus strand). Cytogenetic location: 14q21.2.
Variant type: single nucleotide variant.
Coding change: c.2699C>T on transcript NM_020937.4 (MANE Select); coding-DNA position 2699, C replaced by T.
Protein change: p.Thr900Ile; replaces threonine 900 with isoleucine.
Molecular consequence: missense variant.
Genome position (GRCh38, 1-based): chr14:45,175,453, C>T. VCF-style: chr14-45175453-C-T. GRCh37 (hg19) VCF-style: chr14-45644656-C-T.
Other names: c.2621C>T, p.Thr874Ile (NM_001308133.2); c.2699C>T (LRG_502t1); short protein forms T900I, T874I.
Identifiers: ClinVar variation 456261 (VCV000456261.10), dbSNP rs1555364640, ClinGen allele CA389598827.